The following is an entry in ClinVar:

ClinVar aggregate classification (germline): Pathogenic (1 of 4 stars; one submission).

Submission:

Labcorp Genetics (formerly Invitae), Labcorp
Classification: Pathogenic. Last evaluated: 2022-08-23. Review status: criteria provided, single submitter. Criteria: Invitae Variant Classification Sherloc (09022015). Collection method: clinical testing. Allele origin: germline.
Comment: This sequence change creates a premature translational stop signal (p.Gln62Argfs*4) in the CFAP410 gene. It is expected to result in an absent or disrupted protein product. Loss-of-function variants in CFAP410 are known to be pathogenic (PMID: 23105016, 26167768). This variant is not present in population databases (gnomAD no frequency). This variant has not been reported in the literature in individuals affected with CFAP410-related conditions. ClinVar contains an entry for this variant (Variation ID: 961212). Algorithms developed to predict the effect of sequence changes on RNA splicing suggest that this variant may create or strengthen a splice site. For these reasons, this variant has been classified as Pathogenic.

Literature cited by the submitters: PubMed 23105016; PubMed 26167768.

NM_004928.3(CFAP410):c.165_184dup (p.Gln62delinsArgSerLeuTer)

Gene: CFAP410 (cilia and flagella associated protein 410; minus strand). Cytogenetic location: 21q22.3.
Variant type: Duplication.
Coding change: c.165_184dup on transcript NM_004928.3 (MANE Select); coding-DNA positions 165 to 184, 20 bases duplicated (GGAGCCTGTGAGCCGGTGCC).
Protein change: p.Gln62delinsArgSerLeuTer.
Molecular consequence: nonsense.
Genome position (GRCh38, 1-based): chr21:44,333,222-44,333,241, GGCACCGGCTCACAGGCTCC duplicated on the plus strand (GGAGCCTGTGAGCCGGTGCC on the coding strand, the reverse complement: CFAP410 is on the minus strand). VCF-style (leftmost placement, unchanged base first): chr21-44333221-T-TGGCACCGGCTCACAGGCTCC. GRCh37 (hg19) VCF-style: chr21-45753104-T-TGGCACCGGCTCACAGGCTCC.
Other names: c.165_184dup, p.Gln62delinsArgSerLeuTer (NM_001271440.2, NM_001271441.2); c.42_61dup, p.Gln21delinsArgSerLeuTer (NM_001271442.1).
Identifiers: ClinVar variation 961212 (VCV000961212.8), dbSNP rs2047686121, ClinGen allele CA1139666896.